The following is an entry in ClinVar:

ClinVar aggregate classification (germline): Likely benign (1 of 4 stars; one submission).

Submission:

CeGaT Center for Human Genetics Tuebingen
Classification: Likely benign. Last evaluated: 2022-04-01. Review status: criteria provided, single submitter. Criteria: CeGaT Center For Human Genetics Tuebingen Variant Classification Criteria Version 2. Collection method: clinical testing. Allele origin: germline. Affected: yes. Observed: 1 variant allele.
Comment: LOC400499: PM2:Supporting, BP4, BP7

NM_001370704.1(APOLTP):c.2691T>C (p.His897=)

Gene: APOLTP (apolipoprotein lipid transfer particle homolog; minus strand). Cytogenetic location: 16p13.13.
Variant type: single nucleotide variant.
Coding change: c.2691T>C on transcript NM_001370704.1 (MANE Select); coding-DNA position 2691, T replaced by C.
Protein change: p.His897=; no amino-acid change (histidine 897 retained).
Molecular consequence: synonymous variant.
Genome position (GRCh38, 1-based): chr16:11,476,805, A>G on the plus strand (T>C on the coding strand, the complement: APOLTP is on the minus strand). VCF-style: chr16-11476805-A-G. GRCh37 (hg19) VCF-style: chr16-11570661-A-G.
Other names: c.2691T>C, p.His897= (NM_001395505.1).
Identifiers: ClinVar variation 2646228 (VCV002646228.24), dbSNP rs2061021835, ClinGen allele CA493623233.